The following is an entry in ClinVar:

ClinVar aggregate classification (germline): Conflicting classifications of pathogenicity. Review status: criteria provided, conflicting classifications (1 of 4 stars). 4 submissions from 4 submitters: Uncertain significance (2); Likely benign (2). Last evaluated 2024-10-04.

Conditions:
Costello syndrome (CSTLO). Also called: FCS SYNDROME; HRAS-Related Costello Syndrome; FACIOCUTANEOSKELETAL SYNDROME. Identifiers: Orphanet 3071, MedGen C0587248, MONDO:0009026, OMIM 218040.

Allele frequency attached by ClinVar (database versions not stated): gnomAD 0.00003 and 0.00004.
gnomAD v4.1: 73 of 1,603,888 alleles (0.0046%); highest among the groups gnomAD compares: Non-Finnish European, 0.0059%; no homozygotes.

Submissions (4):

Labcorp Genetics (formerly Invitae), Labcorp
Classification: Likely benign for Costello syndrome. Last evaluated: 2024-10-04. Review status: criteria provided, single submitter. Criteria: Invitae Variant Classification Sherloc (09022015). Collection method: clinical testing. Allele origin: germline.

Blueprint Genetics
Classification: Likely benign. Last evaluated: 2024-08-01. Review status: criteria provided, single submitter. Criteria: ACMG Guidelines, 2015. Collection method: clinical testing. Allele origin: germline.

ARUP Laboratories, Molecular Genetics and Genomics, ARUP Laboratories
Classification: Uncertain significance. Last evaluated: 2022-12-20. Review status: criteria provided, single submitter. Criteria: ARUP Molecular Germline Variant Investigation Process 2024. Collection method: clinical testing. Allele origin: germline.
Comment: The HRAS c.481G>A; p.Gly161Arg variant (rs750721065), to our knowledge, is not reported in the medical literature but is reported in ClinVar (Variation ID: 1319799). This variant is observed in the general population with an overall allele frequency of 0.009% (23/268998 alleles) in the Genome Aggregation Database. Computational analyses predict that this variant is neutral (REVEL: 0.109). Due to limited information, the clinical significance of this variant is uncertain at this time.

Institute for Clinical Genetics, University Hospital TU Dresden, University Hospital TU Dresden
Classification: Uncertain significance. Last evaluated: 2021-11-03. Review status: criteria provided, single submitter. Criteria: ACMG Guidelines, 2015. Collection method: clinical testing. Allele origin: germline.

NM_176795.5(HRAS):c.481G>A (p.Gly161Arg)

Genes: HRAS (HRas proto-oncogene, GTPase; minus strand), LRRC56 (leucine rich repeat containing 56; plus strand). Cytogenetic location: 11p15.5.
Variant type: single nucleotide variant.
Coding change: c.481G>A on transcript NM_176795.5 (MANE Plus Clinical); coding-DNA position 481, G replaced by A.
Protein change: p.Gly161Arg; replaces glycine 161 with arginine.
Molecular consequence: missense variant. On other transcripts: synonymous variant (1), intron variant (2).
Genome position (GRCh38, 1-based): chr11:533,328, C>T on the plus strand (G>A on the coding strand, the complement: HRAS is on the minus strand). VCF-style: chr11-533328-C-T. GRCh37 (hg19) VCF-style: chr11-533328-C-T.
Other names: c.162G>A, p.Pro54= (NM_001318054.2); c.450+125G>A (NM_005343.4, NM_001130442.3); short protein forms G161R.
Identifiers: ClinVar variation 1319799 (VCV001319799.7), dbSNP rs750721065, ClinGen allele CA5779264.
Genomic context (GRCh38, chr11:533,328, plus strand): 5'-GAGACTTACAGCGCGAGGGGCCGCTGGGTCACATGGGTCCCGGGGGGTCCCAGAGGGTCC[C>T]GGAGCTGGAGCTAGAGCCAGAGCGGCTGCCCTGTGTCAAGGGAGAGGGTCAGTGAGTGCT-3'
Protein context (NP_789765.1, residues 151-170): GSRSGSSSSS[Gly161Arg]TLWDPPGPM